The following is an entry in ClinVar:

ClinVar aggregate classification (germline): Benign/Likely benign. Review status: criteria provided, multiple submitters, no conflicts (2 of 4 stars). 3 submissions from 3 submitters: Benign (1); Likely benign (2). Last evaluated 2026-04-28.

Conditions:
Hereditary cancer-predisposing syndrome. Also called: Tumor predisposition; Hereditary neoplastic syndrome; Neoplastic Syndromes, Hereditary; Hereditary Cancer Syndrome. Identifiers: Orphanet 140162, MedGen C0027672, MeSH D009386, MONDO:0015356.
Gorlin syndrome. Also called: Basal cell nevus syndrome; Nevoid Basal Cell Carcinoma Syndrome. Identifiers: Orphanet 377, MedGen C0004779, MONDO:0007187.

Allele frequency attached by ClinVar (database versions not stated): gnomAD exomes below 0.00001 and 0.00001; TOPMed 0.00001.
gnomAD v4.1: 11 of 1,608,392 alleles (0.00068%); highest among the groups gnomAD compares: Non-Finnish European, 0.00093%; no homozygotes.

Submissions (3):

Ambry Genetics
Classification: Benign for Hereditary cancer-predisposing syndrome. Last evaluated: 2026-04-28. Review status: criteria provided, single submitter. Criteria: Ambry Variant Classification Scheme 2023. Collection method: clinical testing. Allele origin: germline.

Labcorp Genetics (formerly Invitae), Labcorp
Classification: Likely benign for Gorlin syndrome. Last evaluated: 2025-12-19. Review status: criteria provided, single submitter. Criteria: Invitae Variant Classification Sherloc (09022015). Collection method: clinical testing. Allele origin: germline.

GeneDx
Classification: Likely benign. Last evaluated: 2017-09-11. Review status: criteria provided, single submitter. Criteria: GeneDx Variant Classification (06012015). Collection method: clinical testing. Allele origin: germline. Affected: yes.
Comment: This variant is considered likely benign or benign based on one or more of the following criteria: it is a conservative change, it occurs at a poorly conserved position in the protein, it is predicted to be benign by multiple in silico algorithms, and/or has population frequency not consistent with disease.

NM_000264.5(PTCH1):c.125C>G (p.Ala42Gly)

Genes: PTCH1 (patched 1; minus strand), LOC130002133 (ATAC-STARR-seq lymphoblastoid silent region 20071; plus strand). Cytogenetic location: 9q22.32.
Variant type: single nucleotide variant.
Coding change: c.125C>G on transcript NM_000264.5 (MANE Select); coding-DNA position 125, C replaced by G.
Protein change: p.Ala42Gly; replaces alanine 42 with glycine.
Molecular consequence: missense variant. On other transcripts: non-coding transcript variant (1), intron variant (3).
Genome position (GRCh38, 1-based): chr9:95,508,237, G>C on the plus strand (C>G on the coding strand, the complement: PTCH1 is on the minus strand). VCF-style: chr9-95508237-G-C. GRCh37 (hg19) VCF-style: chr9-98270519-G-C.
Other names: c.125C>G, p.Ala42Gly (NM_001354918.2); c.199-1638C>G (NM_001083603.3); c.4-1638C>G (NM_001083602.3, NM_001354919.2); short protein forms A42G.
Identifiers: ClinVar variation 512026 (VCV000512026.18), dbSNP rs1030446889, ClinGen allele CA196555548.
Genomic context (GRCh38, chr9:95,508,237, plus strand): 5'-AGAGCGAAGGCGGCGTCGCAGTAGCTGGGCCGGTGCAGATAGTCCCGGTCCGGCGCGGCA[G>C]CACGGCGCAGCCCCCCCGTCCGTCTGCGCCTCCCGCCTCCAGCCGGCCGTCCCGGGGCAC-3'
Protein context (NP_000255.2, residues 32-52): RRRRTGGLRR[Ala42Gly]AAPDRDYLHR